The following is an entry in ClinVar:

ClinVar aggregate classification (germline): Pathogenic/Likely pathogenic. Review status: criteria provided, multiple submitters, no conflicts (2 of 4 stars). 2 submissions from 2 submitters: Pathogenic (1); Likely pathogenic (1). Last evaluated 2026-05-29.

Conditions:
Retinoblastoma (RB1). Also called: RETINOBLASTOMA, SOMATIC. Identifiers: Orphanet 790, MedGen C0035335, MeSH D012175, MONDO:0008380, OMIM 180200, HP:0009919. Disease mechanism: loss of function. Inheritance: Both sporadic and heritable forms are tested..

Submissions (2):

Diller/Parad Lab, Dana-Farber/Harvard Cancer Center
Classification: Likely pathogenic for Retinoblastoma. Last evaluated: 2026-05-29. Review status: criteria provided, single submitter. Criteria: ACMG Guidelines, 2015. Collection method: research. Allele origin: germline. Affected: yes.
Comment: It has been classified as Likely Pathogenic using Richards et al (PMID:25741868) based on the following evidence codes: PM2, PVS1.

Labcorp Genetics (formerly Invitae), Labcorp
Classification: Pathogenic for Retinoblastoma. Last evaluated: 2019-04-24. Review status: criteria provided, single submitter. Criteria: Invitae Variant Classification Sherloc (09022015). Collection method: clinical testing. Allele origin: germline.
Comment: For these reasons, this variant has been classified as Pathogenic. Loss-of-function variants in RB1 are known to be pathogenic (PMID: 17096365). This variant has not been reported in the literature in individuals with RB1-related conditions. This variant is not present in population databases (ExAC no frequency). This sequence change creates a premature translational stop signal (p.Pro812Hisfs*14) in the RB1 gene. It is expected to result in an absent or disrupted protein product.

Literature cited by the submitters: PubMed 17096365 (cited by Labcorp Genetics (formerly Invitae), Labcorp).

NM_000321.3(RB1):c.2435del (p.Pro812fs)

Gene: RB1 (RB transcriptional corepressor 1; plus strand). Cytogenetic location: 13q14.2.
Variant type: Deletion.
Coding change: c.2435del on transcript NM_000321.3 (MANE Select); coding-DNA position 2435, one base deleted (C; older notation c.2435delC).
Protein change: p.Pro812fs; shifts the reading frame from proline 812.
Molecular consequence: frameshift variant.
Genome position (GRCh38, 1-based): chr13:48,465,314, C deleted; the last of 2 consecutive C bases (chr13:48,465,313-48,465,314); deleting either gives the same sequence. VCF-style (leftmost placement, unchanged base first): chr13-48465312-TC-T. GRCh37 (hg19) VCF-style: chr13-49039448-TC-T.
Other names: short protein forms P812fs.
Identifiers: ClinVar variation 858931 (VCV000858931.8), dbSNP rs1949433358, ClinGen allele CA916081698.
Genomic context (GRCh38, chr13:48,465,312, plus strand): 5'-GTTTCCTAGTTCACCCTTACGGATTCCTGGAGGGAACATCTATATTTCACCCCTGAAGAG[TC>T]CATATAAAATTTCAGAAGGTCTGCCAACACCAACAAAAATGACTCCAAGATCAAGGTGTG-3'